The following is an entry in ClinVar:

ClinVar aggregate classification (germline): Uncertain significance (1 of 4 stars; one submission).

Conditions:
Cardiovascular phenotype. Identifiers: MedGen CN230736.

Submission:

Ambry Genetics
Classification: Uncertain significance for Cardiovascular phenotype. Last evaluated: 2020-10-19. Review status: criteria provided, single submitter. Criteria: Ambry Variant Classification Scheme 2023. Collection method: clinical testing. Allele origin: germline.
Comment: The p.N1515I variant (also known as c.4544A>T), located in coding exon 26 of the APOB gene, results from an A to T substitution at nucleotide position 4544. The asparagine at codon 1515 is replaced by isoleucine, an amino acid with dissimilar properties. This amino acid position is poorly conserved in available vertebrate species. In addition, this alteration is predicted to be tolerated by in silico analysis. Since supporting evidence is limited at this time, the clinical significance of this alteration remains unclear.

NM_000384.3(APOB):c.4544A>T (p.Asn1515Ile)

Gene: APOB (apolipoprotein B; minus strand). Cytogenetic location: 2p24.1.
Variant type: single nucleotide variant.
Coding change: c.4544A>T on transcript NM_000384.3 (MANE Select); coding-DNA position 4544, A replaced by T.
Protein change: p.Asn1515Ile; replaces asparagine 1515 with isoleucine.
Molecular consequence: missense variant.
Genome position (GRCh38, 1-based): chr2:21,012,324, T>A on the plus strand (A>T on the coding strand, the complement: APOB is on the minus strand). VCF-style: chr2-21012324-T-A. GRCh37 (hg19) VCF-style: chr2-21235196-T-A.
Other names: short protein forms N1515I.
Identifiers: ClinVar variation 1741378 (VCV001741378.2), dbSNP rs1572785504, ClinGen allele CA346006659.
Genomic context (GRCh38, chr2:21,012,324, plus strand): 5'-CCTGTTATCTGGTTGGTGCCTTGGAGGTAGGAGGAGTTAAACCTCAGGTTGGACTCTCCA[T>A]TGAGCCGGCCAGTGTTAGGATCCCTCTGACAAGACAGGCCATATGTGCCTTTAGCATAGA-3'
Protein context (NP_000375.3, residues 1505-1525): CQRDPNTGRL[Asn1515Ile]GESNLRFNSS